The following is an entry in ClinVar:

NM_004239.4(TRIP11):c.5003A>G (p.Gln1668Arg)

Gene: TRIP11 (thyroid hormone receptor interactor 11; minus strand). Cytogenetic location: 14q32.12.
Variant type: single nucleotide variant.
Coding change: c.5003A>G on transcript NM_004239.4 (MANE Select); coding-DNA position 5003, A replaced by G.
Protein change: p.Gln1668Arg; replaces glutamine 1668 with arginine.
Molecular consequence: missense variant.
Genome position (GRCh38, 1-based): chr14:91,995,405, T>C on the plus strand (A>G on the coding strand, the complement: TRIP11 is on the minus strand). VCF-style: chr14-91995405-T-C. GRCh37 (hg19) VCF-style: chr14-92461749-T-C.
Other names: c.5000A>G, p.Gln1667Arg (NM_001321851.1); short protein forms Q1667R, Q1668R.
Identifiers: ClinVar variation 2163245 (VCV002163245.3), dbSNP rs1468449841, ClinGen allele CA390645710.
Genomic context (GRCh38, chr14:91,995,405, plus strand): 5'-AGCTTACCTTGTTGGAAATGCTCTAGTACCATCTGCAGGTTGGCCAGTGACAGAGCATAC[T>C]GCTTTACTTGTTCCTGAGAGACAGAAAGCTGCAGCGCAGTTTCATCCCTTTGCTTGGAAA-3'
Protein context (NP_004230.2, residues 1658-1678): QLSVSQEQVK[Gln1668Arg]YALSLANLQM

ClinVar aggregate classification (germline): Uncertain significance (1 of 4 stars; one submission).

Conditions:
Achondrogenesis, type IA (ACG1A). Identifiers: Orphanet 932, Orphanet 93299, MedGen C0265273, MONDO:0008701, OMIM 200600.

Allele frequency attached by ClinVar (database versions not stated): gnomAD exomes 0.00001.
gnomAD v4.1: 10 of 1,614,160 alleles (0.00062%); highest among the groups gnomAD compares: South Asian, 0.011%; no homozygotes.

Submission:

Labcorp Genetics (formerly Invitae), Labcorp
Classification: Uncertain significance for Achondrogenesis, type IA. Last evaluated: 2022-03-11. Review status: criteria provided, single submitter. Criteria: Invitae Variant Classification Sherloc (09022015). Collection method: clinical testing. Allele origin: germline.
Comment: This sequence change replaces glutamine, which is neutral and polar, with arginine, which is basic and polar, at codon 1668 of the TRIP11 protein (p.Gln1668Arg). This variant is present in population databases (no rsID available, gnomAD 0.003%). This variant has not been reported in the literature in individuals affected with TRIP11-related conditions. Algorithms developed to predict the effect of missense changes on protein structure and function are either unavailable or do not agree on the potential impact of this missense change (SIFT: "Not Available"; PolyPhen-2: "Possibly Damaging"; Align-GVGD: "Not Available"). In summary, the available evidence is currently insufficient to determine the role of this variant in disease. Therefore, it has been classified as a Variant of Uncertain Significance.